The following is an entry in ClinVar:

ClinVar aggregate classification (germline): Uncertain significance (1 of 4 stars; one submission).

Conditions:
Epileptic encephalopathy. Identifiers: MedGen C0543888, HP:0200134.

Submission:

Labcorp Genetics (formerly Invitae), Labcorp
Classification: Uncertain significance for Epileptic encephalopathy. Last evaluated: 2025-04-28. Review status: criteria provided, single submitter. Criteria: Invitae Variant Classification Sherloc (09022015). Collection method: clinical testing. Allele origin: germline.
Comment: This sequence change falls in intron 36 of the FASN gene. It does not directly change the encoded amino acid sequence of the FASN protein. This variant is not present in population databases (gnomAD no frequency). This variant has not been reported in the literature in individuals affected with FASN-related conditions. ClinVar contains an entry for this variant (Variation ID: 2031729). In summary, the available evidence is currently insufficient to determine the role of this variant in disease. Therefore, it has been classified as a Variant of Uncertain Significance.

NM_004104.5(FASN):c.6164-72_6164-18del

Gene: FASN (fatty acid synthase; minus strand). Cytogenetic location: 17q25.3.
Variant type: Deletion.
Coding change: c.6164-72_6164-18del on transcript NM_004104.5 (MANE Select); 72 bases into the intron before coding-DNA position 6164 through 18 bases into the intron before coding-DNA position 6164, 55 bases deleted.
Molecular consequence: intron variant.
Genome position (GRCh38, 1-based): chr17:82,081,861-82,081,915, 55 bases deleted. GRCh37 (hg19): chr17:80,039,746-80,039,800.
Identifiers: ClinVar variation 2031729 (VCV002031729.4), dbSNP rs2509829615, ClinGen allele CA2580095371.